The following is an entry in ClinVar:

ClinVar aggregate classification (germline): Conflicting classifications of pathogenicity. Review status: criteria provided, conflicting classifications (1 of 4 stars). 4 submissions from 4 submitters: Uncertain significance (1); Benign (1); Likely benign (2). Last evaluated 2025-12-21.

Conditions:
Cystinuria (CSNU). Also called: CYSTINURIA, TYPE I; CYSTINURIA, TYPE II; CYSTINURIA, TYPE III; Cystinuria, non-type I. Identifiers: Orphanet 214, MedGen C0010691, MONDO:0009067, OMIM 220100, HP:0003131.

Allele frequency attached by ClinVar (database versions not stated): TOPMed 0.00031; ESP Exome Variant Server 0.00038; gnomAD exomes 0.00039 and 0.00021; ExAC 0.00022; gnomAD 0.00026 and 0.00028.
gnomAD v4.1: 374 of 1,613,790 alleles (0.023%); highest among the groups gnomAD compares: Non-Finnish European, 0.0067%; 2 homozygotes.

Submissions (4):

Labcorp Genetics (formerly Invitae), Labcorp
Classification: Benign for Cystinuria. Last evaluated: 2025-12-21. Review status: criteria provided, single submitter. Criteria: Invitae Variant Classification Sherloc (09022015). Collection method: clinical testing. Allele origin: germline.

CeGaT Center for Human Genetics Tuebingen
Classification: Likely benign. Last evaluated: 2025-10-01. Review status: criteria provided, single submitter. Criteria: CeGaT Center For Human Genetics Tuebingen Variant Classification Criteria Version 2. Collection method: clinical testing. Allele origin: germline. Affected: yes. Observed: 1 variant allele.
Comment: SLC3A1: BP4, BP7

Blueprint Genetics
Classification: Likely benign. Last evaluated: 2024-11-18. Review status: criteria provided, single submitter. Criteria: ACMG Guidelines, 2015. Collection method: clinical testing. Allele origin: germline.

Illumina Laboratory Services, Illumina
Classification: Uncertain significance for Cystinuria. Last evaluated: 2018-01-12. Review status: criteria provided, single submitter. Criteria: ICSL Variant Classification Criteria 13 December 2019. Collection method: clinical testing. Allele origin: germline.

NM_000341.4(SLC3A1):c.66C>T (p.Asn22=)

Gene: SLC3A1 (solute carrier family 3 member 1; plus strand). Cytogenetic location: 2p21.
Variant type: single nucleotide variant.
Coding change: c.66C>T on transcript NM_000341.4 (MANE Select); coding-DNA position 66, C replaced by T.
Protein change: p.Asn22=; no amino-acid change (asparagine 22 retained).
Molecular consequence: synonymous variant.
Genome position (GRCh38, 1-based): chr2:44,275,601, C>T. VCF-style: chr2-44275601-C-T. GRCh37 (hg19) VCF-style: chr2-44502740-C-T.
Identifiers: ClinVar variation 786807 (VCV000786807.21), dbSNP rs149507807, ClinGen allele CA1640008.